The following is an entry in ClinVar:

ClinVar aggregate classification (germline): Benign/Likely benign. Review status: criteria provided, multiple submitters, no conflicts (2 of 4 stars). 12 submissions from 12 submitters: Benign (4); Likely benign (7). 1 of the submissions does not count toward it. Last evaluated 2026-02-03.

Conditions:
Hereditary cancer-predisposing syndrome. Also called: Tumor predisposition; Hereditary Cancer Syndrome; Neoplastic Syndromes, Hereditary; Hereditary neoplastic syndrome. Identifiers: Orphanet 140162, MedGen C0027672, MeSH D009386, MONDO:0015356.
POLD1-related polyposis and colorectal cancer syndrome (CRCS10). Also called: Colorectal cancer 10; COLORECTAL CANCER, SUSCEPTIBILITY TO, ON CHROMOSOME 19q; Colorectal cancer, susceptibility to, 10. Identifiers: Orphanet 220460, MedGen C2675481, MONDO:0012953, OMIM 612591.

Allele frequency attached by ClinVar (database versions not stated): TOPMed 0.00007; ESP Exome Variant Server 0.00008; gnomAD 0.00009 and 0.00010; gnomAD exomes 0.00010 and 0.00012; ExAC 0.00016; 1000 Genomes Project 0.00020; 1000 Genomes Project 30x 0.00031.
gnomAD v4.1: 164 of 1,614,094 alleles (0.01%); highest among the groups gnomAD compares: Middle Eastern, 0.099%; no homozygotes.

Submissions (12):

Labcorp Genetics (formerly Invitae), Labcorp
Classification: Likely benign for POLD1-related polyposis and colorectal cancer syndrome. Last evaluated: 2026-02-03. Review status: criteria provided, single submitter. Criteria: Invitae Variant Classification Sherloc (09022015). Collection method: clinical testing. Allele origin: germline.

Myriad Genetics, Inc.
Classification: Benign for POLD1-related polyposis and colorectal cancer syndrome. Last evaluated: 2025-02-05. Review status: criteria provided, single submitter. Criteria: Myriad Autosomal Dominant, Autosomal Recessive and X-Linked Classification Criteria (2023). Collection method: clinical testing. Allele origin: unknown.
Comment: This variant is considered benign. This variant is a silent/synonymous amino acid change and it is not expected to impact splicing.

KCCC/NGS Laboratory, Kuwait Cancer Control Center
Classification: Benign for POLD1-related polyposis and colorectal cancer syndrome. Last evaluated: 2025-02-01. Review status: criteria provided, single submitter. Criteria: ACMG Guidelines, 2015. Collection method: clinical testing. Allele origin: germline. Affected: no.

Quest Diagnostics Nichols Institute San Juan Capistrano
Classification: Benign. Last evaluated: 2024-12-13. Review status: criteria provided, single submitter. Criteria: Quest Diagnostics criteria. Collection method: clinical testing. Allele origin: unknown.

Blueprint Genetics
Classification: Likely benign. Last evaluated: 2024-11-07. Review status: criteria provided, single submitter. Criteria: ACMG Guidelines, 2015. Collection method: clinical testing. Allele origin: germline.

CeGaT Center for Human Genetics Tuebingen
Classification: Likely benign. Last evaluated: 2024-11-01. Review status: criteria provided, single submitter. Criteria: CeGaT Center For Human Genetics Tuebingen Variant Classification Criteria Version 2. Collection method: clinical testing. Allele origin: germline. Affected: yes. Observed: 2 variant alleles.
Comment: POLD1: BP4, BP7

Sema4
Classification: Benign for Hereditary cancer-predisposing syndrome. Last evaluated: 2020-10-23. Review status: criteria provided, single submitter. Criteria: Sema4 Curation Guidelines. Collection method: curation. Allele origin: germline.

Mendelics
Classification: Likely benign for POLD1-related polyposis and colorectal cancer syndrome. Last evaluated: 2019-05-28. Review status: criteria provided, single submitter. Criteria: Mendelics Assertion Criteria 2017. Collection method: clinical testing. Allele origin: unknown.

GeneDx
Classification: Likely benign. Last evaluated: 2018-03-12. Review status: criteria provided, single submitter. Criteria: GeneDx Variant Classification (06012015). Collection method: clinical testing. Allele origin: germline. Affected: yes.
Comment: This variant is considered likely benign or benign based on one or more of the following criteria: it is a conservative change, it occurs at a poorly conserved position in the protein, it is predicted to be benign by multiple in silico algorithms, and/or has population frequency not consistent with disease.

PreventionGenetics, part of Exact Sciences
Classification: Likely benign. Last evaluated: 2016-12-30. Review status: criteria provided, single submitter. Criteria: ACMG Guidelines, 2015. Collection method: clinical testing. Allele origin: germline.

Ambry Genetics
Classification: Likely benign for Hereditary cancer-predisposing syndrome. Last evaluated: 2015-09-25. Review status: criteria provided, single submitter. Criteria: Ambry Variant Classification Scheme 2023. Collection method: clinical testing. Allele origin: germline.

True Health Diagnostics
Classification: Likely benign for Hereditary cancer-predisposing syndrome. Last evaluated: 2018-02-15. Review status: no assertion criteria provided. Collection method: clinical testing. Allele origin: germline. Not counted in ClinVar's aggregate classification.

Literature cited by the submitters: PubMed 28423643 (cited by Quest Diagnostics Nichols Institute San Juan Capistrano).

NM_002691.4(POLD1):c.1182C>T (p.Thr394=)

Gene: POLD1 (DNA polymerase delta 1, catalytic subunit; plus strand). Cytogenetic location: 19q13.33.
Variant type: single nucleotide variant.
Coding change: c.1182C>T on transcript NM_002691.4 (MANE Select); coding-DNA position 1182, C replaced by T.
Protein change: p.Thr394=; no amino-acid change (threonine 394 retained).
Molecular consequence: synonymous variant. On other transcripts: non-coding transcript variant (1).
Genome position (GRCh38, 1-based): chr19:50,403,537, C>T. VCF-style: chr19-50403537-C-T. GRCh37 (hg19) VCF-style: chr19-50906794-C-T.
Other names: c.1182C>T, p.Thr394= (NM_001256849.1, NM_001308632.1).
Identifiers: ClinVar variation 239225 (VCV000239225.46), dbSNP rs377462923, ClinGen allele CA9596060.